The following is an entry in ClinVar:

ClinVar aggregate classification (germline): Uncertain significance (1 of 4 stars; one submission).

Conditions:
Early-infantile DEE. Also called: Early infantile epileptic encephalopathy with suppression bursts; Early infantile epileptic encephalopathy; Ohtahara syndrome. Identifiers: Orphanet 1934, MedGen C0393706, MONDO:0800491.

Allele frequency attached by ClinVar (database versions not stated): gnomAD exomes below 0.00001; TOPMed 0.00001.
gnomAD v4.1: 2 of 1,538,800 alleles (0.00013%); highest among the groups gnomAD compares: Non-Finnish European, 0.00017%; no homozygotes.

Submission:

Labcorp Genetics (formerly Invitae), Labcorp
Classification: Uncertain significance for Early-infantile DEE. Last evaluated: 2024-10-16. Review status: criteria provided, single submitter. Criteria: Invitae Variant Classification Sherloc (09022015). Collection method: clinical testing. Allele origin: germline.
Comment: This sequence change replaces serine, which is neutral and polar, with asparagine, which is neutral and polar, at codon 722 of the KCNQ2 protein (p.Ser722Asn). This variant is not present in population databases (gnomAD no frequency). This variant has not been reported in the literature in individuals affected with KCNQ2-related conditions. ClinVar contains an entry for this variant (Variation ID: 461413). Invitae Evidence Modeling of protein sequence and biophysical properties (such as structural, functional, and spatial information, amino acid conservation, physicochemical variation, residue mobility, and thermodynamic stability) indicates that this missense variant is not expected to disrupt KCNQ2 protein function with a negative predictive value of 95%. In summary, the available evidence is currently insufficient to determine the role of this variant in disease. Therefore, it has been classified as a Variant of Uncertain Significance.

NM_172107.4(KCNQ2):c.2165G>A (p.Ser722Asn)

Gene: KCNQ2 (potassium voltage-gated channel subfamily Q member 2; minus strand). Cytogenetic location: 20q13.33.
Variant type: single nucleotide variant.
Coding change: c.2165G>A on transcript NM_172107.4 (MANE Select); coding-DNA position 2165, G replaced by A.
Protein change: p.Ser722Asn; replaces serine 722 with asparagine.
Molecular consequence: missense variant.
Genome position (GRCh38, 1-based): chr20:63,407,098, C>T on the plus strand (G>A on the coding strand, the complement: KCNQ2 is on the minus strand). VCF-style: chr20-63407098-C-T. GRCh37 (hg19) VCF-style: chr20-62038451-C-T.
Other names: c.2081G>A, p.Ser694Asn (NM_004518.6); c.2111G>A, p.Ser704Asn (NM_172106.3); c.2072G>A, p.Ser691Asn (NM_172108.5); short protein forms S722N, S691N, S704N, S694N.
Identifiers: ClinVar variation 461413 (VCV000461413.7), dbSNP rs980574000, ClinGen allele CA317422206.